The following is an entry in ClinVar:

NM_022437.3(ABCG8):c.1753A>T (p.Thr585Ser)

Gene: ABCG8 (ATP binding cassette subfamily G member 8; plus strand). Cytogenetic location: 2p21.
Variant type: single nucleotide variant.
Coding change: c.1753A>T on transcript NM_022437.3 (MANE Select); coding-DNA position 1753, A replaced by T.
Protein change: p.Thr585Ser; replaces threonine 585 with serine.
Molecular consequence: missense variant.
Genome position (GRCh38, 1-based): chr2:43,875,410, A>T. VCF-style: chr2-43875410-A-T. GRCh37 (hg19) VCF-style: chr2-44102549-A-T.
Other names: p.Thr585Ser; c.1750A>T, p.Thr584Ser (NM_001357321.2); short protein forms T585S, T584S.
Identifiers: ClinVar variation 595789 (VCV000595789.19), dbSNP rs371166792, ClinGen allele CA1637614.

ClinVar aggregate classification (germline): Uncertain significance. Review status: criteria provided, multiple submitters, no conflicts (2 of 4 stars). 7 submissions from 7 submitters: Uncertain significance (7). Last evaluated 2026-05-19.

Conditions:
ABCG8-related disorder. Also called: ABCG8-related condition.
Sitosterolemia 1. Identifiers: MedGen C2749759, MONDO:0020747, OMIM 210250.
Cardiovascular phenotype. Identifiers: MedGen CN230736.

Allele frequency attached by ClinVar (database versions not stated): gnomAD exomes 0.00002 and 0.00005; ExAC 0.00006; TOPMed 0.00016; gnomAD 0.00017 and 0.00019; ESP Exome Variant Server 0.00023.
gnomAD v4.1: 56 of 1,613,668 alleles (0.0035%); highest among the groups gnomAD compares: African/African-American, 0.047%; no homozygotes.

Submissions (7):

PreventionGenetics, part of Exact Sciences
Classification: Uncertain significance for ABCG8-related condition. Last evaluated: 2026-05-19. Review status: criteria provided, single submitter. Criteria: ACMG Guidelines, 2015. Collection method: clinical testing. Allele origin: germline.
Comment: The ABCG8 c.1753A>T variant is predicted to result in the amino acid substitution p.Thr585Ser. To our knowledge, this variant has not been reported in the literature. This variant is reported in 0.064% of alleles in individuals of African descent in gnomAD. Although we suspect this variant is benign, at this time, the clinical significance of this variant is uncertain due to the absence of conclusive functional and genetic evidence.

Labcorp Genetics (formerly Invitae), Labcorp
Classification: Uncertain significance. Last evaluated: 2025-09-02. Review status: criteria provided, single submitter. Criteria: Invitae Variant Classification Sherloc (09022015). Collection method: clinical testing. Allele origin: germline.
Comment: This sequence change replaces threonine, which is neutral and polar, with serine, which is neutral and polar, at codon 585 of the ABCG8 protein (p.Thr585Ser). This variant is present in population databases (rs371166792, gnomAD 0.07%). This variant has not been reported in the literature in individuals affected with ABCG8-related conditions. ClinVar contains an entry for this variant (Variation ID: 595789). Invitae Evidence Modeling of protein sequence and biophysical properties (such as structural, functional, and spatial information, amino acid conservation, physicochemical variation, residue mobility, and thermodynamic stability) indicates that this missense variant is not expected to disrupt ABCG8 protein function with a negative predictive value of 80%. In summary, the available evidence is currently insufficient to determine the role of this variant in disease. Therefore, it has been classified as a Variant of Uncertain Significance.

Revvity Omics, Revvity
Classification: Uncertain significance for Sitosterolemia 1. Last evaluated: 2023-12-16. Review status: criteria provided, single submitter. Criteria: ACMG Guidelines, 2015. Collection method: clinical testing. Allele origin: germline.

Ambry Genetics
Classification: Uncertain significance for Cardiovascular phenotype. Last evaluated: 2023-09-08. Review status: criteria provided, single submitter. Criteria: Ambry Variant Classification Scheme 2023. Collection method: clinical testing. Allele origin: germline.
Comment: The p.T585S variant (also known as c.1753A>T), located in coding exon 11 of the ABCG8 gene, results from an A to T substitution at nucleotide position 1753. The threonine at codon 585 is replaced by serine, an amino acid with similar properties. This amino acid position is not well conserved in available vertebrate species. In addition, this alteration is predicted to be tolerated by in silico analysis. Since supporting evidence is limited at this time, the clinical significance of this alteration remains unclear.

Women's Health and Genetics/Laboratory Corporation of America, LabCorp
Classification: Uncertain significance. Last evaluated: 2023-08-01. Review status: criteria provided, single submitter. Criteria: LabCorp Variant Classification Summary - May 2015. Collection method: clinical testing. Allele origin: germline.

Mayo Clinic Laboratories, Mayo Clinic
Classification: Uncertain significance. Last evaluated: 2022-05-04. Review status: criteria provided, single submitter. Criteria: ACMG Guidelines, 2015. Collection method: clinical testing. Allele origin: germline. Observed: 1 variant allele.
Comment: BP4

Eurofins Ntd Llc (ga)
Classification: Uncertain significance. Last evaluated: 2018-01-22. Review status: criteria provided, single submitter. Criteria: EGL Classification Definitions 2015. Collection method: clinical testing. Allele origin: germline. Observed: 1 variant allele, 1 heterozygote.